The following is an entry in ClinVar:

ClinVar aggregate classification (germline): Uncertain significance (1 of 4 stars; one submission).

Conditions:
Norman-Roberts syndrome (LIS2). Also called: Lissencephaly 2 (Norman-Roberts type). Identifiers: Orphanet 89844, MedGen C0796089, MONDO:0009760, OMIM 257320.
Familial temporal lobe epilepsy 7. Identifiers: Orphanet 101046, MedGen C4225327, MONDO:0014639, OMIM 616436.

Allele frequency attached by ClinVar (database versions not stated): gnomAD exomes below 0.00001; TOPMed below 0.00001.
gnomAD v4.1: 3 of 1,614,172 alleles (0.00019%); highest among the groups gnomAD compares: African/African-American, 0.0013%; no homozygotes.

Submission:

Labcorp Genetics (formerly Invitae), Labcorp
Classification: Uncertain significance for Familial temporal lobe epilepsy 7; Norman-Roberts syndrome. Last evaluated: 2024-10-25. Review status: criteria provided, single submitter. Criteria: Invitae Variant Classification Sherloc (09022015). Collection method: clinical testing. Allele origin: germline.
Comment: This sequence change affects codon 3148 of the RELN mRNA. It is a 'silent' change, meaning that it does not change the encoded amino acid sequence of the RELN protein. It affects a nucleotide within the consensus splice site. This variant is not present in population databases (gnomAD no frequency). This variant has not been reported in the literature in individuals affected with RELN-related conditions. ClinVar contains an entry for this variant (Variation ID: 1026923). Algorithms developed to predict the effect of sequence changes on RNA splicing suggest that this variant is not likely to affect RNA splicing. In summary, the available evidence is currently insufficient to determine the role of this variant in disease. Therefore, it has been classified as a Variant of Uncertain Significance.

NM_005045.4(RELN):c.9444A>G (p.Arg3148=)

Genes: RELN (reelin; minus strand), SLC26A5-AS1 (SLC26A5 antisense RNA 1; plus strand), LOC126860130 (BRD4-independent group 4 enhancer GRCh37_chr7:103130126-103131325; plus strand). Cytogenetic location: 7q22.1.
Variant type: single nucleotide variant.
Coding change: c.9444A>G on transcript NM_005045.4 (MANE Select); coding-DNA position 9444, A replaced by G.
Protein change: p.Arg3148=; no amino-acid change (arginine 3148 retained).
Molecular consequence: synonymous variant.
Genome position (GRCh38, 1-based): chr7:103,490,829, T>C on the plus strand (A>G on the coding strand, the complement: RELN is on the minus strand). VCF-style: chr7-103490829-T-C. GRCh37 (hg19) VCF-style: chr7-103131276-T-C.
Other names: c.9444A>G, p.Arg3148= (NM_173054.3).
Identifiers: ClinVar variation 1026923 (VCV001026923.9), dbSNP rs1277733317, ClinGen allele CA457023380.